The following is an entry in ClinVar:

ClinVar aggregate classification (germline): Uncertain significance (1 of 4 stars; one submission).

Conditions:
Primary ciliary dyskinesia. Also called: Ciliary dyskinesia. Identifiers: Orphanet 244, MedGen C0008780, MONDO:0016575, HP:0012265.

Allele frequency attached by ClinVar (database versions not stated): gnomAD exomes below 0.00001.
gnomAD v4.1: 1 of 1,614,174 alleles (0.000062%); highest among the groups gnomAD compares: South Asian, 0.0011%; no homozygotes.

Submission:

Ambry Genetics
Classification: Uncertain significance for Primary ciliary dyskinesia. Last evaluated: 2021-07-12. Review status: criteria provided, single submitter. Criteria: Ambry Variant Classification Scheme 2023. Collection method: clinical testing. Allele origin: germline.
Comment: The p.E2444D variant (also known as c.7332A>C), located in coding exon 44 of the DNAH5 gene, results from an A to C substitution at nucleotide position 7332. The glutamic acid at codon 2444 is replaced by aspartic acid, an amino acid with highly similar properties. This amino acid position is conserved. In addition, this alteration is predicted to be tolerated by in silico analysis. Since supporting evidence is limited at this time, the clinical significance of this alteration remains unclear.

NM_001369.3(DNAH5):c.7332A>C (p.Glu2444Asp)

Gene: DNAH5 (dynein axonemal heavy chain 5; minus strand). Cytogenetic location: 5p15.2.
Variant type: single nucleotide variant.
Coding change: c.7332A>C on transcript NM_001369.3 (MANE Select); coding-DNA position 7332, A replaced by C.
Protein change: p.Glu2444Asp; replaces glutamic acid 2444 with aspartic acid.
Molecular consequence: missense variant.
Genome position (GRCh38, 1-based): chr5:13,811,722, T>G on the plus strand (A>C on the coding strand, the complement: DNAH5 is on the minus strand). VCF-style: chr5-13811722-T-G. GRCh37 (hg19) VCF-style: chr5-13811831-T-G.
Other names: short protein forms E2444D.
Identifiers: ClinVar variation 1758385 (VCV001758385.2), dbSNP rs2546814423, ClinGen allele CA359189299.